The following is an entry in ClinVar:

NM_198129.4(LAMA3):c.6394T>G (p.Ser2132Ala)

Gene: LAMA3 (laminin subunit alpha 3; plus strand). Cytogenetic location: 18q11.2.
Variant type: single nucleotide variant.
Coding change: c.6394T>G on transcript NM_198129.4 (MANE Select); coding-DNA position 6394, T replaced by G.
Protein change: p.Ser2132Ala; replaces serine 2132 with alanine.
Molecular consequence: missense variant.
Genome position (GRCh38, 1-based): chr18:23,904,008, T>G. VCF-style: chr18-23904008-T-G. GRCh37 (hg19) VCF-style: chr18-21483972-T-G.
Other names: c.1567T>G, p.Ser523Ala (NM_000227.6); c.6226T>G, p.Ser2076Ala (NM_001127717.4); c.1399T>G, p.Ser467Ala (NM_001127718.4); c.1567T>G (NM_000227.3); short protein forms S2132A, S523A, S2076A, S467A.
Identifiers: ClinVar variation 742003 (VCV000742003.14), dbSNP rs34590975, ClinGen allele CA8916359.

ClinVar aggregate classification (germline): Conflicting classifications of pathogenicity. Review status: criteria provided, conflicting classifications (1 of 4 stars). 3 submissions from 3 submitters: Uncertain significance (1); Likely benign (1). 1 of the submissions does not count toward it. Last evaluated 2026-01-16.

Conditions:
LAMA3-related disorder. Also called: LAMA3-related disorders; LAMA3-related condition.
Inborn genetic diseases. Identifiers: MedGen C0950123, MeSH D030342.

Allele frequency attached by ClinVar (database versions not stated): gnomAD exomes 0.00006 and 0.00018; ExAC 0.00024; 1000 Genomes Project 30x 0.00047; gnomAD 0.00056 and 0.00063; 1000 Genomes Project 0.00060; TOPMed 0.00073; ESP Exome Variant Server 0.00115.
gnomAD v4.1: 174 of 1,614,130 alleles (0.011%); highest among the groups gnomAD compares: African/African-American, 0.22%; 1 homozygote.

Submissions (3):

Labcorp Genetics (formerly Invitae), Labcorp
Classification: Likely benign. Last evaluated: 2026-01-16. Review status: criteria provided, single submitter. Criteria: Invitae Variant Classification Sherloc (09022015). Collection method: clinical testing. Allele origin: germline.

Ambry Genetics
Classification: Uncertain significance for Inborn genetic diseases. Last evaluated: 2021-08-12. Review status: criteria provided, single submitter. Criteria: Ambry Variant Classification Scheme 2023. Collection method: clinical testing. Allele origin: germline.

PreventionGenetics, part of Exact Sciences
Classification: Likely benign for LAMA3-related condition. Last evaluated: 2022-11-01. Review status: no assertion criteria provided. Collection method: clinical testing. Allele origin: germline. Not counted in ClinVar's aggregate classification.
Comment: This variant is classified as likely benign based on ACMG/AMP sequence variant interpretation guidelines (Richards et al. 2015 PMID: 25741868, with internal and published modifications).